The following is an entry in ClinVar:

NM_032444.4(SLX4):c.2249C>T (p.Thr750Met)

Gene: SLX4 (SLX4 structure-specific endonuclease subunit; minus strand). Cytogenetic location: 16p13.3.
Variant type: single nucleotide variant.
Coding change: c.2249C>T on transcript NM_032444.4 (MANE Select); coding-DNA position 2249, C replaced by T.
Protein change: p.Thr750Met; replaces threonine 750 with methionine.
Molecular consequence: missense variant.
Genome position (GRCh38, 1-based): chr16:3,592,777, G>A on the plus strand (C>T on the coding strand, the complement: SLX4 is on the minus strand). VCF-style: chr16-3592777-G-A. GRCh37 (hg19) VCF-style: chr16-3642778-G-A.
Other names: c.2249C>T (LRG_503t1); short protein forms T750M.
Identifiers: ClinVar variation 436781 (VCV000436781.14), dbSNP rs145353518, ClinGen allele CA7866220.

ClinVar aggregate classification (germline): Uncertain significance. Review status: criteria provided, multiple submitters, no conflicts (2 of 4 stars). 6 submissions from 6 submitters: Uncertain significance (6). Last evaluated 2025-04-18.

Conditions:
Fanconi anemia complementation group P. Also called: SLX4-Related Fanconi Anemia. Identifiers: Orphanet 84, MedGen C3469542, MONDO:0013499, OMIM 613951.
Fanconi anemia (FA). Also called: Fanconi's anemia. Identifiers: Orphanet 84, MedGen C0015625, MeSH D005199, MONDO:0019391.

Allele frequency attached by ClinVar (database versions not stated): gnomAD exomes 0.00006 and 0.00008; ExAC 0.00011; ESP Exome Variant Server 0.00031; 1000 Genomes Project 0.00040; gnomAD 0.00042 and 0.00046; 1000 Genomes Project 30x 0.00047; TOPMed 0.00059.
gnomAD v4.1: 154 of 1,612,882 alleles (0.0095%); highest among the groups gnomAD compares: African/African-American, 0.13%; no homozygotes.

Submissions (6):

GeneDx
Classification: Uncertain significance. Last evaluated: 2025-04-18. Review status: criteria provided, single submitter. Criteria: GeneDx Variant Classification Process June 2021. Collection method: clinical testing. Allele origin: germline.
Comment: Reported in a patient with idiopathic cytopenia in the published literature (PMID: 29344583); In silico analysis indicates that this missense variant does not alter protein structure/function; This variant is associated with the following publications: (PMID: 29344583)

Labcorp Genetics (formerly Invitae), Labcorp
Classification: Uncertain significance for Fanconi anemia. Last evaluated: 2023-11-22. Review status: criteria provided, single submitter. Criteria: Invitae Variant Classification Sherloc (09022015). Collection method: clinical testing. Allele origin: germline.
Comment: This sequence change replaces threonine, which is neutral and polar, with methionine, which is neutral and non-polar, at codon 750 of the SLX4 protein (p.Thr750Met). This variant is present in population databases (rs145353518, gnomAD 0.1%). This variant has not been reported in the literature in individuals affected with SLX4-related conditions. ClinVar contains an entry for this variant (Variation ID: 436781). Algorithms developed to predict the effect of missense changes on protein structure and function output the following: SIFT: "Not Available"; PolyPhen-2: "Possibly Damaging"; Align-GVGD: "Not Available". The methionine amino acid residue is found in multiple mammalian species, which suggests that this missense change does not adversely affect protein function. In summary, the available evidence is currently insufficient to determine the role of this variant in disease. Therefore, it has been classified as a Variant of Uncertain Significance.

Fulgent Genetics
Classification: Uncertain significance for Fanconi anemia complementation group P. Last evaluated: 2022-02-17. Review status: criteria provided, single submitter. Criteria: ACMG Guidelines, 2015. Collection method: clinical testing. Allele origin: unknown.

Sema4
Classification: Uncertain significance for Fanconi anemia. Last evaluated: 2021-10-31. Review status: criteria provided, single submitter. Criteria: Sema4 Curation Guidelines. Collection method: curation. Allele origin: germline.
Comment: The SLX4 c.2249C>T (p.T750M) variant has been reported in at least one individual with idiopathic cytopenia of uncertain significance (PMID: 29344583). It was observed in 25/24916 chromosomes of the African/African American subpopulation, with no homozygotes, in the large and broad cohorts of the Genome Aggregation Database (PMID: 32461654). The variant has been reported in ClinVar (Variation ID: 436781). In silico tools suggest the impact of the variant on protein function is benign, though these predictions have not been confirmed by functional studies. The evidence is insufficient to meet ACMG/AMP criteria for classifying the variant as benign or pathogenic. Thus, the clinical significance of this variant is currently uncertain.

Blueprint Genetics
Classification: Uncertain significance. Last evaluated: 2020-07-06. Review status: criteria provided, single submitter. Criteria: ACMG Guidelines, 2015. Collection method: clinical testing. Allele origin: germline.

Genetic Services Laboratory, University of Chicago
Classification: Uncertain significance. Last evaluated: 2015-11-24. Review status: criteria provided, single submitter. Criteria: ACMG Guidelines, 2015. Collection method: clinical testing. Allele origin: germline. Affected: no.

Literature cited by the submitters: PubMed 29344583 (cited by Sema4).